The following is an entry in ClinVar:

ClinVar aggregate classification (germline): Uncertain significance (1 of 4 stars; one submission).

Submission:

Labcorp Genetics (formerly Invitae), Labcorp
Classification: Uncertain significance. Last evaluated: 2025-10-09. Review status: criteria provided, single submitter. Criteria: Invitae Variant Classification Sherloc (09022015). Collection method: clinical testing. Allele origin: germline.
Comment: This sequence change replaces arginine, which is basic and polar, with tryptophan, which is neutral and slightly polar, at codon 29 of the LMNB1 protein (p.Arg29Trp). The frequency data for this variant in the population databases is considered unreliable, as metrics indicate poor data quality at this position in the gnomAD database. This missense change has been observed in individual(s) with autosomal dominant leukodystrophy (PMID: 28716252). Invitae Evidence Modeling of protein sequence and biophysical properties (such as structural, functional, and spatial information, amino acid conservation, physicochemical variation, residue mobility, and thermodynamic stability) indicates that this missense variant is expected to disrupt LMNB1 protein function with a positive predictive value of 80%. Experimental studies are conflicting or provide insufficient evidence to determine the effect of this variant on LMNB1 function (PMID: 32910914). In summary, the available evidence is currently insufficient to determine the role of this variant in disease. Therefore, it has been classified as a Variant of Uncertain Significance.

Literature cited by the submitters: PubMed 28716252; PubMed 32910914.

NM_005573.4(LMNB1):c.85C>T (p.Arg29Trp)

Gene: LMNB1 (lamin B1; plus strand). Cytogenetic location: 5q23.2.
Variant type: single nucleotide variant.
Coding change: c.85C>T on transcript NM_005573.4 (MANE Select); coding-DNA position 85, C replaced by T.
Protein change: p.Arg29Trp; replaces arginine 29 with tryptophan.
Molecular consequence: missense variant. On other transcripts: non-coding transcript variant (2), intron variant (1).
Genome position (GRCh38, 1-based): chr5:126,777,593, C>T. VCF-style: chr5-126777593-C-T. GRCh37 (hg19) VCF-style: chr5-126113285-C-T.
Other names: c.-272+349C>T (NM_001198557.2); short protein forms R29W.
Identifiers: ClinVar variation 4747462 (VCV004747462.1).